The following is an entry in ClinVar:

NM_002618.4(PEX13):c.342A>G (p.Pro114=)

Gene: PEX13 (peroxisomal biogenesis factor 13; plus strand). Cytogenetic location: 2p15.
Variant type: single nucleotide variant.
Coding change: c.342A>G on transcript NM_002618.4 (MANE Select); coding-DNA position 342, A replaced by G.
Protein change: p.Pro114=; no amino-acid change (proline 114 retained).
Molecular consequence: synonymous variant.
Genome position (GRCh38, 1-based): chr2:61,031,668, A>G. VCF-style: chr2-61031668-A-G. GRCh37 (hg19) VCF-style: chr2-61258803-A-G.
Other names: c.342A>G (NM_002618.3).
Identifiers: ClinVar variation 2824010 (VCV002824010.5), dbSNP rs755872070, ClinGen allele CA1673284.
Genomic context (GRCh38, chr2:61,031,668, plus strand): 5'-TCCTTATAGTTATGGATATAATGGGCTGGGCTACAACCGCCTCCGTGTAGATGATCTTCC[A>G]CCCAGTAGATTTGTTCAGCAAGCTGAAGAAAGCAGCAGGGGTGCATTTCAGTCCATTGAA-3'
Protein context (NP_002609.1, residues 104-124): GYNRLRVDDL[Pro114=]PSRFVQQAEE

ClinVar aggregate classification (germline): Likely benign. Review status: criteria provided, single submitter (1 of 4 stars). 2 submissions from 2 submitters: Likely benign (1). 1 of the submissions does not count toward it. Last evaluated 2024-01-19.

Conditions:
PEX13-related disorder. Also called: PEX13-related disorders; PEX13-related condition.
Peroxisome biogenesis disorder 11A (Zellweger). Also called: Peroxisome biogenesis disorder 11A. Identifiers: Orphanet 912, MedGen C3554000, MONDO:0013949, OMIM 614883.

Allele frequency attached by ClinVar (database versions not stated): gnomAD exomes below 0.00001; ExAC 0.00001; gnomAD 0.00001.

Submissions (2):

Labcorp Genetics (formerly Invitae), Labcorp
Classification: Likely benign for Peroxisome biogenesis disorder 11A (Zellweger). Last evaluated: 2024-01-19. Review status: criteria provided, single submitter. Criteria: Invitae Variant Classification Sherloc (09022015). Collection method: clinical testing. Allele origin: germline.

PreventionGenetics, part of Exact Sciences
Classification: Likely benign for PEX13-related condition. Last evaluated: 2022-09-28. Review status: no assertion criteria provided. Collection method: clinical testing. Allele origin: germline. Not counted in ClinVar's aggregate classification.
Comment: This variant is classified as likely benign based on ACMG/AMP sequence variant interpretation guidelines (Richards et al. 2015 PMID: 25741868, with internal and published modifications).